The following is an entry in ClinVar:

NM_000381.4(MID1):c.329C>T (p.Thr110Ile)

Gene: MID1 (midline 1; minus strand). Cytogenetic location: Xp22.2.
Variant type: single nucleotide variant.
Coding change: c.329C>T on transcript NM_000381.4 (MANE Select); coding-DNA position 329, C replaced by T.
Protein change: p.Thr110Ile; replaces threonine 110 with isoleucine.
Molecular consequence: missense variant.
Genome position (GRCh38, 1-based): chrX:10,567,219, G>A on the plus strand (C>T on the coding strand, the complement: MID1 is on the minus strand). VCF-style: chrX-10567219-G-A. GRCh37 (hg19) VCF-style: chrX-10535259-G-A.
Other names: c.329C>T, p.Thr110Ile (NM_001098624.2, NM_001193277.1, NM_001193278.1 and 5 more transcripts); short protein forms T110I.
Identifiers: ClinVar variation 2500637 (VCV002500637.1), dbSNP rs2519200919, ClinGen allele CA412048602.

ClinVar aggregate classification (germline): Uncertain significance (1 of 4 stars; one submission).

Submission:

GeneDx
Classification: Uncertain significance. Last evaluated: 2022-10-25. Review status: criteria provided, single submitter. Criteria: GeneDx Variant Classification Process June 2021. Collection method: clinical testing. Allele origin: germline. Affected: yes.
Comment: Not observed at significant frequency in large population cohorts (gnomAD); In silico analysis supports that this missense variant does not alter protein structure/function; Has not been previously published as pathogenic or benign to our knowledge